The following is an entry in ClinVar:

NM_000257.4(MYH7):c.2074C>G (p.Gln692Glu)

Gene: MYH7 (myosin heavy chain 7; minus strand). Cytogenetic location: 14q11.2.
Variant type: single nucleotide variant.
Coding change: c.2074C>G on transcript NM_000257.4 (MANE Select); coding-DNA position 2074, C replaced by G.
Protein change: p.Gln692Glu; replaces glutamine 692 with glutamic acid.
Molecular consequence: missense variant.
Genome position (GRCh38, 1-based): chr14:23,426,052, G>C on the plus strand (C>G on the coding strand, the complement: MYH7 is on the minus strand). VCF-style: chr14-23426052-G-C. GRCh37 (hg19) VCF-style: chr14-23895261-G-C.
Other names: c.2074C>G, p.Gln692Glu (NM_001407004.1); short protein forms Q692E.
Identifiers: ClinVar variation 4801945 (VCV004801945.1).

ClinVar aggregate classification (germline): Uncertain significance (1 of 4 stars; one submission).

Conditions:
Hypertrophic cardiomyopathy. Also called: HYPERTROPHIC MYOCARDIOPATHY. Identifiers: Orphanet 217569, MedGen C0007194, MeSH D002312, MONDO:0005045, HP:0001639.

Submission:

Labcorp Genetics (formerly Invitae), Labcorp
Classification: Uncertain significance for Hypertrophic cardiomyopathy. Last evaluated: 2025-03-18. Review status: criteria provided, single submitter. Criteria: Invitae Variant Classification Sherloc (09022015). Collection method: clinical testing. Allele origin: germline.
Comment: This sequence change replaces glutamine, which is neutral and polar, with glutamic acid, which is acidic and polar, at codon 692 of the MYH7 protein (p.Gln692Glu). This variant is not present in population databases (gnomAD no frequency). This variant has not been reported in the literature in individuals affected with MYH7-related conditions. Invitae Evidence Modeling of protein sequence and biophysical properties (such as structural, functional, and spatial information, amino acid conservation, physicochemical variation, residue mobility, and thermodynamic stability) indicates that this missense variant is expected to disrupt MYH7 protein function with a positive predictive value of 95%. In summary, the available evidence is currently insufficient to determine the role of this variant in disease. Therefore, it has been classified as a Variant of Uncertain Significance.